The following is an entry in ClinVar:

NM_030943.4(AMN):c.1170-1G>C

Gene: AMN (amnion associated transmembrane protein; plus strand). Cytogenetic location: 14q32.32.
Variant type: single nucleotide variant.
Coding change: c.1170-1G>C on transcript NM_030943.4 (MANE Select); the canonical splice acceptor site of the intron before coding-DNA position 1170, G replaced by C.
Molecular consequence: splice acceptor variant.
Genome position (GRCh38, 1-based): chr14:102,930,405, G>C. VCF-style: chr14-102930405-G-C. GRCh37 (hg19) VCF-style: chr14-103396742-G-C.
Identifiers: ClinVar variation 2969632 (VCV002969632.3), dbSNP rs1407245521, ClinGen allele CA391083599.

ClinVar aggregate classification (germline): Likely pathogenic (1 of 4 stars; one submission).

Conditions:
Imerslund-Grasbeck syndrome. Also called: Megaloblastic anemia due to inborn errors of metabolism; ENTEROCYTE COBALAMIN MALABSORPTION; ENTEROCYTE INTRINSIC FACTOR RECEPTOR, DEFECT OF; PERNICIOUS ANEMIA, JUVENILE, DUE TO SELECTIVE INTESTINAL MALABSORPTION OF VITAMIN B12, WITH PROTEINURIA; Imerslund-Gräsbeck syndrome. Identifiers: Orphanet 35858, MedGen C4551825, MONDO:0009853.

Allele frequency attached by ClinVar (database versions not stated): gnomAD exomes 0.00001.
gnomAD v4.1: 3 of 1,518,500 alleles (0.0002%); highest among the groups gnomAD compares: Admixed American, 0.004%; no homozygotes.

Submission:

Labcorp Genetics (formerly Invitae), Labcorp
Classification: Likely pathogenic for Imerslund-Grasbeck syndrome. Last evaluated: 2023-11-03. Review status: criteria provided, single submitter. Criteria: Invitae Variant Classification Sherloc (09022015). Collection method: clinical testing. Allele origin: germline.
Comment: This sequence change affects an acceptor splice site in intron 10 of the AMN gene. It is expected to disrupt RNA splicing. Variants that disrupt the donor or acceptor splice site typically lead to a loss of protein function (PMID: 16199547), and loss-of-function variants in AMN are known to be pathogenic (PMID: 12590260, 22929189). The frequency data for this variant in the population databases is considered unreliable, as metrics indicate poor data quality at this position in the gnomAD database. This variant has not been reported in the literature in individuals affected with AMN-related conditions. Algorithms developed to predict the effect of sequence changes on RNA splicing suggest that this variant may disrupt the consensus splice site. In summary, the currently available evidence indicates that the variant is pathogenic, but additional data are needed to prove that conclusively. Therefore, this variant has been classified as Likely Pathogenic.

Literature cited by the submitters: PubMed 16199547; PubMed 12590260; PubMed 22929189.